The following is an entry in ClinVar:

NM_003995.4(NPR2):c.2296G>C (p.Glu766Gln)

Gene: NPR2 (natriuretic peptide receptor 2; plus strand). Cytogenetic location: 9p13.3.
Variant type: single nucleotide variant.
Coding change: c.2296G>C on transcript NM_003995.4 (MANE Select); coding-DNA position 2296, G replaced by C.
Protein change: p.Glu766Gln; replaces glutamic acid 766 with glutamine.
Molecular consequence: missense variant.
Genome position (GRCh38, 1-based): chr9:35,806,157, G>C. VCF-style: chr9-35806157-G-C. GRCh37 (hg19) VCF-style: chr9-35806154-G-C.
Other names: c.2305G>C, p.Glu769Gln (NM_001378923.1); short protein forms E766Q, E769Q.
Identifiers: ClinVar variation 3762100 (VCV003762100.2).
Genomic context (GRCh38, chr9:35,806,157, plus strand): 5'-CCATATTTCCGGCCAAGCATTGACCGGACCCAACTGAATGAAGAGCTAGTTTTGCTGATG[G>C]AGCGATGTTGGGCTCAGGACCCAGCTGAGCGGCCAGACTTTGGACAGATTAAGGGCTTCA-3'
Protein context (NP_003986.2, residues 756-776): QLNEELVLLM[Glu766Gln]RCWAQDPAER

ClinVar aggregate classification (germline): Uncertain significance (1 of 4 stars; one submission).

Conditions:
Acromesomelic dysplasia 1, Maroteaux type (AMD1). Also called: ST. HELENA DYSPLASIA; ACROMESOMELIC DYSPLASIA 1. Identifiers: Orphanet 40, MedGen C1864356, MONDO:0011275, OMIM 602875.
Tall stature-scoliosis-macrodactyly of the great toes syndrome. Also called: Epiphyseal chondrodysplasia, miura type. Identifiers: Orphanet 329191, MedGen C4014690, MONDO:0014401, OMIM 615923.

gnomAD v4.1: 58 of 1,614,122 alleles (0.0036%); highest among the groups gnomAD compares: Non-Finnish European, 0.0048%; no homozygotes.

Submission:

Labcorp Genetics (formerly Invitae), Labcorp
Classification: Uncertain significance for Tall stature-scoliosis-macrodactyly of the great toes syndrome; Acromesomelic dysplasia 1, Maroteaux type. Last evaluated: 2024-12-04. Review status: criteria provided, single submitter. Criteria: Invitae Variant Classification Sherloc (09022015). Collection method: clinical testing. Allele origin: germline.
Comment: This sequence change replaces glutamic acid, which is acidic and polar, with glutamine, which is neutral and polar, at codon 766 of the NPR2 protein (p.Glu766Gln). This variant is present in population databases (rs763799241, gnomAD 0.003%). This variant has not been reported in the literature in individuals affected with NPR2-related conditions. Invitae Evidence Modeling of protein sequence and biophysical properties (such as structural, functional, and spatial information, amino acid conservation, physicochemical variation, residue mobility, and thermodynamic stability) indicates that this missense variant is not expected to disrupt NPR2 protein function with a negative predictive value of 80%. In summary, the available evidence is currently insufficient to determine the role of this variant in disease. Therefore, it has been classified as a Variant of Uncertain Significance.